The following is an entry in ClinVar:

ClinVar aggregate classification (germline): Uncertain significance (1 of 4 stars; one submission).

Submission:

Ambry Genetics
Classification: Uncertain significance. Last evaluated: 2021-12-08. Review status: criteria provided, single submitter. Criteria: Ambry Variant Classification Scheme 2023. Collection method: clinical testing. Allele origin: germline.
Comment: The p.L1541I variant (also known as c.4621C>A), located in coding exon 4 of the ALPK2 gene, results from a C to A substitution at nucleotide position 4621. The leucine at codon 1541 is replaced by isoleucine, an amino acid with highly similar properties. This amino acid position is conserved. In addition, this alteration is predicted to be tolerated by in silico analysis. Since supporting evidence is limited at this time, the clinical significance of this alteration remains unclear.

NM_052947.4(ALPK2):c.4621C>A (p.Leu1541Ile)

Genes: ALPK2 (alpha kinase 2; minus strand), LOC126862764 (BRD4-independent group 4 enhancer GRCh37_chr18:56202574-56203773; plus strand). Cytogenetic location: 18q21.31.
Variant type: single nucleotide variant.
Coding change: c.4621C>A on transcript NM_052947.4 (MANE Select); coding-DNA position 4621, C replaced by A.
Protein change: p.Leu1541Ile; replaces leucine 1541 with isoleucine.
Molecular consequence: missense variant.
Genome position (GRCh38, 1-based): chr18:58,535,566, G>T on the plus strand (C>A on the coding strand, the complement: ALPK2 is on the minus strand). VCF-style: chr18-58535566-G-T. GRCh37 (hg19) VCF-style: chr18-56202798-G-T.
Other names: short protein forms L1541I.
Identifiers: ClinVar variation 1741963 (VCV001741963.2), dbSNP rs2518874402, ClinGen allele CA402560928.